The following is an entry in ClinVar:

NM_001364905.1(LRBA):c.5510A>G (p.Glu1837Gly)

Gene: LRBA (LPS responsive beige-like anchor protein; minus strand). Cytogenetic location: 4q31.3.
Variant type: single nucleotide variant.
Coding change: c.5510A>G on transcript NM_001364905.1 (MANE Select); coding-DNA position 5510, A replaced by G.
Protein change: p.Glu1837Gly; replaces glutamic acid 1837 with glycine.
Molecular consequence: missense variant.
Genome position (GRCh38, 1-based): chr4:150,806,279, T>C on the plus strand (A>G on the coding strand, the complement: LRBA is on the minus strand). VCF-style: chr4-150806279-T-C. GRCh37 (hg19) VCF-style: chr4-151727431-T-C.
Other names: c.5510A>G, p.Glu1837Gly (NM_001199282.3, NM_001367550.1, NM_006726.5); short protein forms E1837G.
Identifiers: ClinVar variation 1515022 (VCV001515022.8), dbSNP rs2126715670, ClinGen allele CA358609576.

ClinVar aggregate classification (germline): Uncertain significance (1 of 4 stars; one submission).

Conditions:
Combined immunodeficiency due to LRBA deficiency. Also called: Common variable immunodeficiency 8, with autoimmunity. Identifiers: Orphanet 445018, MedGen C3553512, MONDO:0013863, OMIM 614700.

gnomAD v4.1: 1 of 1,581,192 alleles (0.000063%); highest among the groups gnomAD compares: South Asian, 0.0012%; no homozygotes.

Submission:

Labcorp Genetics (formerly Invitae), Labcorp
Classification: Uncertain significance for Combined immunodeficiency due to LRBA deficiency. Last evaluated: 2022-07-06. Review status: criteria provided, single submitter. Criteria: Invitae Variant Classification Sherloc (09022015). Collection method: clinical testing. Allele origin: germline.
Comment: This variant is not present in population databases (gnomAD no frequency). In summary, the available evidence is currently insufficient to determine the role of this variant in disease. Therefore, it has been classified as a Variant of Uncertain Significance. Algorithms developed to predict the effect of missense changes on protein structure and function are either unavailable or do not agree on the potential impact of this missense change (SIFT: "Deleterious"; PolyPhen-2: "Probably Damaging"; Align-GVGD: "Class C0"). ClinVar contains an entry for this variant (Variation ID: 1515022). This variant has not been reported in the literature in individuals affected with LRBA-related conditions. This sequence change replaces glutamic acid, which is acidic and polar, with glycine, which is neutral and non-polar, at codon 1837 of the LRBA protein (p.Glu1837Gly).